The following is an entry in ClinVar:

NM_004608.4(TBX6):c.726C>T (p.Pro242=)

Gene: TBX6 (T-box transcription factor 6; minus strand). Cytogenetic location: 16p11.2.
Variant type: single nucleotide variant.
Coding change: c.726C>T on transcript NM_004608.4 (MANE Select); coding-DNA position 726, C replaced by T.
Protein change: p.Pro242=; no amino-acid change (proline 242 retained).
Molecular consequence: synonymous variant.
Genome position (GRCh38, 1-based): chr16:30,088,735, G>A on the plus strand (C>T on the coding strand, the complement: TBX6 is on the minus strand). VCF-style: chr16-30088735-G-A. GRCh37 (hg19) VCF-style: chr16-30100056-G-A.
Identifiers: ClinVar variation 1087096 (VCV001087096.10), dbSNP rs143748514, ClinGen allele CA8001826.

ClinVar aggregate classification (germline): Likely benign. Review status: criteria provided, multiple submitters, no conflicts (2 of 4 stars). 2 submissions from 2 submitters: Likely benign (2). Last evaluated 2026-09-01.

Allele frequency attached by ClinVar (database versions not stated): 1000 Genomes Project 30x 0.00016; gnomAD 0.00023; ESP Exome Variant Server 0.00054.
gnomAD v4.1: 576 of 1,614,068 alleles (0.036%); highest among the groups gnomAD compares: Non-Finnish European, 0.043%; no homozygotes.

Submissions (2):

CeGaT Center for Human Genetics Tuebingen
Classification: Likely benign. Last evaluated: 2026-09-01. Review status: criteria provided, single submitter. Criteria: CeGaT Center For Human Genetics Tuebingen Variant Classification Criteria Version 2. Collection method: clinical testing. Allele origin: germline. Affected: yes. Observed: 2 variant alleles.
Comment: TBX6: BP4, BP7

Labcorp Genetics (formerly Invitae), Labcorp
Classification: Likely benign. Last evaluated: 2026-01-26. Review status: criteria provided, single submitter. Criteria: Invitae Variant Classification Sherloc (09022015). Collection method: clinical testing. Allele origin: germline.